The following is an entry in ClinVar:

ClinVar aggregate classification (germline): Uncertain significance (1 of 4 stars; one submission).

Conditions:
Autosomal dominant limb-girdle muscular dystrophy type 1D (DNAJB6) (LGMDD1). Also called: MUSCULAR DYSTROPHY, AUTOSOMAL DOMINANT, WITH RIMMED VACUOLES; MUSCULAR DYSTROPHY, LIMB-GIRDLE, TYPE 1D; Autosomal dominant limb-girdle muscular dystrophy type 1D; Muscular dystrophy, limb-girdle, autosomal dominant 1. Identifiers: Orphanet 34516, MedGen C4721885, MONDO:0021018, OMIM 603511.

Allele frequency attached by ClinVar (database versions not stated): TOPMed below 0.00001; gnomAD 0.00001.

Submission:

Labcorp Genetics (formerly Invitae), Labcorp
Classification: Uncertain significance for Autosomal dominant limb-girdle muscular dystrophy type 1D (DNAJB6). Last evaluated: 2022-03-17. Review status: criteria provided, single submitter. Criteria: Invitae Variant Classification Sherloc (09022015). Collection method: clinical testing. Allele origin: germline.
Comment: This variant is present in population databases (no rsID available, gnomAD 0.002%). This sequence change replaces alanine, which is neutral and non-polar, with valine, which is neutral and non-polar, at codon 237 of the DNAJB6 protein (p.Ala237Val). This variant has not been reported in the literature in individuals affected with DNAJB6-related conditions. In summary, the available evidence is currently insufficient to determine the role of this variant in disease. Therefore, it has been classified as a Variant of Uncertain Significance. Algorithms developed to predict the effect of missense changes on protein structure and function are either unavailable or do not agree on the potential impact of this missense change (SIFT: "Tolerated"; PolyPhen-2: "Not Available"; Align-GVGD: "Class C0").

NM_058246.4(DNAJB6):c.710C>T (p.Ala237Val)

Gene: DNAJB6 (DnaJ heat shock protein family (Hsp40) member B6; plus strand). Cytogenetic location: 7q36.3.
Variant type: single nucleotide variant.
Coding change: c.710C>T on transcript NM_058246.4 (MANE Select); coding-DNA position 710, C replaced by T.
Protein change: p.Ala237Val; replaces alanine 237 with valine.
Molecular consequence: missense variant.
Genome position (GRCh38, 1-based): chr7:157,409,813, C>T. VCF-style: chr7-157409813-C-T. GRCh37 (hg19) VCF-style: chr7-157202507-C-T.
Other names: c.365C>T, p.Ala122Val (NM_001363676.1); short protein forms A122V, A237V.
Identifiers: ClinVar variation 1950782 (VCV001950782.5), dbSNP rs1383770944, ClinGen allele CA370167176.